The following is an entry in ClinVar:

ClinVar aggregate classification (germline): Pathogenic. Review status: criteria provided, multiple submitters, no conflicts (2 of 4 stars). 2 submissions from 2 submitters: Pathogenic (2). Last evaluated 2022-10-25.

Conditions:
Telangiectasia, hereditary hemorrhagic, type 2 (HHT2). Also called: ACVRL1-Related Hereditary Hemorrhagic Telangiectasia; Telangiectasia, hereditary hemorrhagic, type II. Identifiers: Orphanet 774, MedGen C1838163, MONDO:0010880, OMIM 600376. Disease mechanism: loss of function.
Cardiovascular phenotype. Identifiers: MedGen CN230736.

Submissions (2):

Ambry Genetics
Classification: Pathogenic for Cardiovascular phenotype. Last evaluated: 2022-10-25. Review status: criteria provided, single submitter. Criteria: Ambry Variant Classification Scheme 2023. Collection method: clinical testing. Allele origin: germline.
Comment: The p.C344F pathogenic mutation (also known as c.1031G>T), located in coding exon 6 of the ACVRL1 gene, results from a G to T substitution at nucleotide position 1031. The cysteine at codon 344 is replaced by phenylalanine, an amino acid with highly dissimilar properties. This variant was detected in cohorts reported to meet diagnostic criteria for hereditary hemorrhagic telangiectasia (HHT), individuals who were suspected of having HHT, and individuals submitted for HHT genetic testing (Olivieri C, J. Med. Genet. 2002 Jul; 39(7):E39; Olivieri C et al. J Hum Genet. 2007 Sep;52(10):820-829; Invitae pers. comm.). This variant has also been detected in a pulmonary arterial hypertension case (Wang XJ et al. Eur Respir J. 2019 03;53(3)). Other alterations at the same codon, p.C344Y (c.1031G>A) and p.C344R (c.1030T>C), have been also reported in association with HHT (Abdalla SA et al. Hum. Mol. Genet., 2000 May;9:1227-37; Bossler AD et al. Hum. Mutat., 2006 Jul;27:667-75). An in vitro study demonstrated that this mutation interferes with transport of the protein to the cell surface (Hume AN, Mol. Cell. Biochem. 2013 Jan; 373(1-2):247-57). This variant is considered to be rare based on population cohorts in the Genome Aggregation Database (gnomAD). In addition, this alteration is predicted to be deleterious by in silico analysis. Based on the supporting evidence, this alteration is interpreted as a disease-causing mutation.

Labcorp Genetics (formerly Invitae), Labcorp
Classification: Pathogenic for Telangiectasia, hereditary hemorrhagic, type 2. Last evaluated: 2021-11-23. Review status: criteria provided, single submitter. Criteria: Invitae Variant Classification Sherloc (09022015). Collection method: clinical testing. Allele origin: germline.
Comment: This missense change has been observed in individual(s) with ACVRL1-related conditions (PMID: 12114496, 30578397; Invitae). This variant is not present in population databases (gnomAD no frequency). This sequence change replaces cysteine, which is neutral and slightly polar, with phenylalanine, which is neutral and non-polar, at codon 344 of the ACVRL1 protein (p.Cys344Phe). Experimental studies have shown that this missense change affects ACVRL1 function (PMID: 23124896). For these reasons, this variant has been classified as Pathogenic. This variant disrupts the p.Cys344 amino acid residue in ACVRL1. Other variant(s) that disrupt this residue have been determined to be pathogenic (PMID: 16470787, 16752392, 18673552, 19767588). This suggests that this residue is clinically significant, and that variants that disrupt this residue are likely to be disease-causing. Advanced modeling of protein sequence and biophysical properties (such as structural, functional, and spatial information, amino acid conservation, physicochemical variation, residue mobility, and thermodynamic stability) performed at Invitae indicates that this missense variant is expected to disrupt ACVRL1 protein function. ClinVar contains an entry for this variant (Variation ID: 658228).

Literature cited by the submitters: PubMed 12114496 (cited by Ambry Genetics and Labcorp Genetics (formerly Invitae), Labcorp); PubMed 16690726 (cited by Ambry Genetics); PubMed 18673552 (cited by Ambry Genetics and Labcorp Genetics (formerly Invitae), Labcorp); PubMed 23124896 (cited by Ambry Genetics and Labcorp Genetics (formerly Invitae), Labcorp); PubMed 30578397 (cited by Ambry Genetics and Labcorp Genetics (formerly Invitae), Labcorp); PubMed 16470787 (cited by Labcorp Genetics (formerly Invitae), Labcorp); PubMed 16752392 (cited by Labcorp Genetics (formerly Invitae), Labcorp); PubMed 19767588 (cited by Labcorp Genetics (formerly Invitae), Labcorp).

NM_000020.3(ACVRL1):c.1031G>T (p.Cys344Phe)

Gene: ACVRL1 (activin A receptor like type 1; plus strand). Cytogenetic location: 12q13.13.
Variant type: single nucleotide variant.
Coding change: c.1031G>T on transcript NM_000020.3 (MANE Select); coding-DNA position 1031, G replaced by T.
Protein change: p.Cys344Phe; replaces cysteine 344 with phenylalanine.
Molecular consequence: missense variant.
Genome position (GRCh38, 1-based): chr12:51,915,483, G>T. VCF-style: chr12-51915483-G-T. GRCh37 (hg19) VCF-style: chr12-52309267-G-T.
Other names: c.1031G>T, p.Cys344Phe (NM_001077401.2); short protein forms C344F.
Identifiers: ClinVar variation 658228 (VCV000658228.8), dbSNP rs28936688, ClinGen allele CA384901742.